The following is an entry in ClinVar:

ClinVar aggregate classification (germline): Uncertain significance (1 of 4 stars; one submission).

Conditions:
Aicardi-Goutieres syndrome 2. Identifiers: Orphanet 51, MedGen C3489724, MONDO:0012429, OMIM 610181.

Submission:

Labcorp Genetics (formerly Invitae), Labcorp
Classification: Uncertain significance for Aicardi-Goutieres syndrome 2. Last evaluated: 2022-02-08. Review status: criteria provided, single submitter. Criteria: Invitae Variant Classification Sherloc (09022015). Collection method: clinical testing. Allele origin: germline.
Comment: This sequence change replaces valine, which is neutral and non-polar, with leucine, which is neutral and non-polar, at codon 118 of the RNASEH2B protein (p.Val118Leu). This variant is not present in population databases (gnomAD no frequency). This variant has not been reported in the literature in individuals affected with RNASEH2B-related conditions. Algorithms developed to predict the effect of missense changes on protein structure and function (SIFT, PolyPhen-2, Align-GVGD) all suggest that this variant is likely to be tolerated. In summary, the available evidence is currently insufficient to determine the role of this variant in disease. Therefore, it has been classified as a Variant of Uncertain Significance.

NM_024570.4(RNASEH2B):c.352G>T (p.Val118Leu)

Gene: RNASEH2B (ribonuclease H2 subunit B; plus strand). Cytogenetic location: 13q14.3.
Variant type: single nucleotide variant.
Coding change: c.352G>T on transcript NM_024570.4 (MANE Select); coding-DNA position 352, G replaced by T.
Protein change: p.Val118Leu; replaces valine 118 with leucine.
Molecular consequence: missense variant.
Genome position (GRCh38, 1-based): chr13:50,934,915, G>T. VCF-style: chr13-50934915-G-T. GRCh37 (hg19) VCF-style: chr13-51509051-G-T.
Other names: c.352G>T, p.Val118Leu (NM_001142279.2, NM_001411023.1); short protein forms V118L.
Identifiers: ClinVar variation 2094812 (VCV002094812.1), dbSNP rs753716315, ClinGen allele CA388259159.